The following is an entry in ClinVar:

ClinVar aggregate classification (germline): Uncertain significance. Review status: criteria provided, multiple submitters, no conflicts (2 of 4 stars). 3 submissions from 3 submitters: Uncertain significance (3). Last evaluated 2026-01-05.

Conditions:
Immunodeficiency 92. Identifiers: Orphanet 697394, MedGen C5562039, MONDO:0030498, OMIM 619652.

Allele frequency attached by ClinVar (database versions not stated): gnomAD exomes 0.00001; ExAC 0.00004; gnomAD 0.00007; ESP Exome Variant Server 0.00008.

Submissions (3):

Labcorp Genetics (formerly Invitae), Labcorp
Classification: Uncertain significance. Last evaluated: 2026-01-05. Review status: criteria provided, single submitter. Criteria: Invitae Variant Classification Sherloc (09022015). Collection method: clinical testing. Allele origin: germline.
Comment: This sequence change replaces glutamine, which is neutral and polar, with histidine, which is basic and polar, at codon 535 of the REL protein (p.Gln535His). This variant is present in population databases (rs371687545, gnomAD 0.02%). This variant has not been reported in the literature in individuals affected with REL-related conditions. ClinVar contains an entry for this variant (Variation ID: 2909687). An algorithm developed to predict the effect of missense changes on protein structure and function (PolyPhen-2) suggests that this variant is likely to be tolerated. In summary, the available evidence is currently insufficient to determine the role of this variant in disease. Therefore, it has been classified as a Variant of Uncertain Significance.

Ambry Genetics
Classification: Uncertain significance. Last evaluated: 2025-12-17. Review status: criteria provided, single submitter. Criteria: Ambry Variant Classification Scheme 2023. Collection method: clinical testing. Allele origin: germline.

Fulgent Genetics
Classification: Uncertain significance for Immunodeficiency 92. Last evaluated: 2024-01-30. Review status: criteria provided, single submitter. Criteria: ACMG Guidelines, 2015. Collection method: clinical testing. Allele origin: germline.

NM_001291746.2(REL):c.1509G>C (p.Gln503His)

Gene: REL (REL proto-oncogene, NF-kB subunit; plus strand). Cytogenetic location: 2p16.1.
Variant type: single nucleotide variant.
Coding change: c.1509G>C on transcript NM_001291746.2 (MANE Select); coding-DNA position 1509, G replaced by C.
Protein change: p.Gln503His; replaces glutamine 503 with histidine.
Molecular consequence: missense variant.
Genome position (GRCh38, 1-based): chr2:60,922,280, G>C. VCF-style: chr2-60922280-G-C. GRCh37 (hg19) VCF-style: chr2-61149415-G-C.
Other names: c.1605G>C (NM_002908.3, NM_002908.2); c.1605G>C, p.Gln535His (NM_002908.4); short protein forms Q503H, Q535H.
Identifiers: ClinVar variation 2909687 (VCV002909687.4), dbSNP rs371687545, ClinGen allele CA1672489.